The following is an entry in ClinVar:

ClinVar aggregate classification (germline): Likely benign (1 of 4 stars; one submission).

Conditions:
TRIM71-related disorder. Also called: TRIM71-related condition.

Submission:

PreventionGenetics, part of Exact Sciences
Classification: Likely benign for TRIM71-related condition. Last evaluated: 2025-08-03. Review status: criteria provided, single submitter. Criteria: ACMG Guidelines, 2015. Collection method: clinical testing. Allele origin: germline.
Comment: This variant is classified as likely benign based on ACMG/AMP sequence variant interpretation guidelines (Richards et al. 2015 PMID: 25741868, with internal and published modifications).

NM_001039111.3(TRIM71):c.2556C>T (p.Asp852=)

Gene: TRIM71 (tripartite motif containing 71; plus strand). Cytogenetic location: 3p22.3.
Variant type: single nucleotide variant.
Coding change: c.2556C>T on transcript NM_001039111.3 (MANE Select); coding-DNA position 2556, C replaced by T.
Protein change: p.Asp852=; no amino-acid change (aspartic acid 852 retained).
Molecular consequence: synonymous variant.
Genome position (GRCh38, 1-based): chr3:32,891,760, C>T. VCF-style: chr3-32891760-C-T. GRCh37 (hg19) VCF-style: chr3-32933252-C-T.
Identifiers: ClinVar variation 4983938 (VCV004983938.1).
Genomic context (GRCh38, chr3:32,891,760, plus strand): 5'-TGCTCAAGGCAGCGGCTTTGGGCAGATGGACCGCCCTTCCGGCATCGCCATCACCCCCGA[C>T]GGAATGATCGTTGTGGTGGACTTTGGCAACAATCGAATCCTCGTCTTCTAATTGCATTTC-3'
Protein context (NP_001034200.1, residues 842-862): DRPSGIAITP[Asp852=]GMIVVVDFGN